The following is an entry in ClinVar:

ClinVar aggregate classification (germline): Uncertain significance. Review status: criteria provided, multiple submitters, no conflicts (2 of 4 stars). 3 submissions from 3 submitters: Uncertain significance (2). 1 of the submissions does not count toward it. Last evaluated 2025-06-23.

Conditions:
Retinal dystrophy. Also called: Inherited retinal dystrophy. Identifiers: Orphanet 71862, MedGen C0854723, MeSH D058499, MONDO:0019118, HP:0000556.
Peroxisome biogenesis disorder 7A (Zellweger). Also called: Peroxisome biogenesis disorder 7A. Identifiers: Orphanet 912, MedGen C3888385, MONDO:0013938, OMIM 614872.
Peroxisome biogenesis disorder 7B (PBD7B). Identifiers: Orphanet 44, MedGen C3553951, MONDO:0013939, OMIM 614873.

Allele frequency attached by ClinVar (database versions not stated): TOPMed 0.00001; gnomAD exomes 0.00002 and 0.00001; ExAC 0.00002.
gnomAD v4.1: 27 of 1,614,122 alleles (0.0017%); highest among the groups gnomAD compares: African/African-American, 0.004%; no homozygotes.

Submissions (3):

Mayo Clinic Laboratories, Mayo Clinic
Classification: Uncertain significance. Last evaluated: 2025-06-23. Review status: criteria provided, single submitter. Criteria: ACMG Guidelines, 2015. Collection method: clinical testing. Allele origin: germline. Observed: 1 variant allele.
Comment: BP4_moderate

Labcorp Genetics (formerly Invitae), Labcorp
Classification: Uncertain significance for Peroxisome biogenesis disorder 7A (Zellweger); Peroxisome biogenesis disorder 7B. Last evaluated: 2022-09-27. Review status: criteria provided, single submitter. Criteria: Invitae Variant Classification Sherloc (09022015). Collection method: clinical testing. Allele origin: germline.
Comment: This sequence change replaces proline, which is neutral and non-polar, with leucine, which is neutral and non-polar, at codon 233 of the PEX26 protein (p.Pro233Leu). This variant is present in population databases (rs765734604, gnomAD 0.003%). This variant has not been reported in the literature in individuals affected with PEX26-related conditions. ClinVar contains an entry for this variant (Variation ID: 966612). Advanced modeling of protein sequence and biophysical properties (such as structural, functional, and spatial information, amino acid conservation, physicochemical variation, residue mobility, and thermodynamic stability) performed at Invitae indicates that this missense variant is not expected to disrupt PEX26 protein function. In summary, the available evidence is currently insufficient to determine the role of this variant in disease. Therefore, it has been classified as a Variant of Uncertain Significance.

Institute of Human Genetics, Univ. Regensburg, Univ. Regensburg
Classification: Uncertain significance for Retinal dystrophy. Last evaluated: 2023-01-01. Review status: no assertion criteria provided. Criteria: ACMG Guidelines, 2015. Collection method: clinical testing. Allele origin: germline. Affected: yes. Not counted in ClinVar's aggregate classification.

NM_001127649.3(PEX26):c.698C>T (p.Pro233Leu)

Gene: PEX26 (peroxisomal biogenesis factor 26; plus strand). Cytogenetic location: 22q11.21.
Variant type: single nucleotide variant.
Coding change: c.698C>T on transcript NM_001127649.3 (MANE Select); coding-DNA position 698, C replaced by T.
Protein change: p.Pro233Leu; replaces proline 233 with leucine.
Molecular consequence: missense variant. On other transcripts: intron variant (1).
Genome position (GRCh38, 1-based): chr22:18,085,142, C>T. VCF-style: chr22-18085142-C-T. GRCh37 (hg19) VCF-style: chr22-18567908-C-T.
Other names: p.Pro233Leu; c.698C>T, p.Pro233Leu (NM_017929.6); c.667+1410C>T (NM_001199319.2); short protein forms P233L.
Identifiers: ClinVar variation 966612 (VCV000966612.9), dbSNP rs765734604, ClinGen allele CA10093395.